The following is an entry in ClinVar:

ClinVar aggregate classification (germline): Uncertain significance. Review status: criteria provided, multiple submitters, no conflicts (2 of 4 stars). 2 submissions from 2 submitters: Uncertain significance (2). Last evaluated 2026-03-24.

Conditions:
Hereditary cancer-predisposing syndrome. Also called: Hereditary Cancer Syndrome; Tumor predisposition; Hereditary neoplastic syndrome; Neoplastic Syndromes, Hereditary. Identifiers: Orphanet 140162, MedGen C0027672, MeSH D009386, MONDO:0015356.
Chuvash polycythemia. Also called: POLYCYTHEMIA, VHL-DEPENDENT. Identifiers: Orphanet 238557, MedGen C1837915, MONDO:0009892, OMIM 263400.
Von Hippel-Lindau syndrome (VHLS). Also called: von Hippel–Lindau syndrome; VHL syndrome; Von Hippel-Lindau. Identifiers: Orphanet 892, MedGen C0019562, MONDO:0008667, OMIM 193300. Disease mechanism: loss of function.

Submissions (2):

Ambry Genetics
Classification: Uncertain significance for Hereditary cancer-predisposing syndrome. Last evaluated: 2026-03-24. Review status: criteria provided, single submitter. Criteria: Ambry Variant Classification Scheme 2023. Collection method: clinical testing. Allele origin: germline.
Comment: The c.103_117dup15 variant (also known as p.A35_G39dup), located in coding exon 1 of the VHL gene, results from an in-frame duplication of 15 nucleotides at nucleotide positions 103 to 117. This results in the duplication of 5 extra residues (AEESG) between codons 35 and 39. These amino acid positions are not well conserved in available vertebrate species. In addition, this variant is predicted to be neutral by in silico analysis (Choi Y et al. PLoS ONE. 2012; 7(10):e46688). Based on the available evidence, the clinical significance of this variant remains unclear.

Labcorp Genetics (formerly Invitae), Labcorp
Classification: Uncertain significance for Von Hippel-Lindau syndrome; Chuvash polycythemia. Last evaluated: 2025-09-13. Review status: criteria provided, single submitter. Criteria: Invitae Variant Classification Sherloc (09022015). Collection method: clinical testing. Allele origin: germline.
Comment: This variant, c.103_117dup, results in the insertion of 5 amino acid(s) of the VHL protein (p.Ala35_Gly39dup), but otherwise preserves the integrity of the reading frame. This variant is not present in population databases (gnomAD no frequency). This variant has not been reported in the literature in individuals affected with VHL-related conditions. ClinVar contains an entry for this variant (Variation ID: 456568). Experimental studies and prediction algorithms are not available or were not evaluated, and the functional significance of this variant is currently unknown. In summary, the available evidence is currently insufficient to determine the role of this variant in disease. Therefore, it has been classified as a Variant of Uncertain Significance.

NM_000551.4(VHL):c.103_117dup (p.Ala35_Gly39dup)

Gene: VHL (von Hippel-Lindau tumor suppressor; plus strand). Cytogenetic location: 3p25.3.
Variant type: Duplication.
Coding change: c.103_117dup on transcript NM_000551.4 (MANE Select); coding-DNA positions 103 to 117, 15 bases duplicated (GCCGAGGAGTCCGGC).
Protein change: p.Ala35_Gly39dup.
Molecular consequence: inframe insertion.
Genome position (GRCh38, 1-based): chr3:10,141,950-10,141,964, GCCGAGGAGTCCGGC duplicated; duplicating any 15 consecutive bases within chr3:10,141,947-10,141,964 gives the same sequence; the c. name uses the placement nearest the transcript's 3' end. VCF-style (leftmost placement, unchanged base first): chr3-10141946-G-GGGCGCCGAGGAGTCC. GRCh37 (hg19) VCF-style: chr3-10183630-G-GGGCGCCGAGGAGTCC.
Other names: c.103_117dup, p.Ala35_Gly39dup (NM_001354723.2, NM_198156.3); c.103_117dupGCCGAGGAGTCCGGC (NM_000551.3).
Identifiers: ClinVar variation 456568 (VCV000456568.10), dbSNP rs1553619337, ClinGen allele CA658655747.
Genomic context (GRCh38, chr3:10,141,946, plus strand): 5'-AGGCGCGGAGGAGGCAGGCGTCGAAGAGTACGGCCCTGAAGAAGACGGCGGGGAGGAGTC[G>GGGCGCCGAGGAGTCC]GGCGCCGAGGAGTCCGGCCCGGAAGAGTCCGGCCCGGAGGAACTGGGCGCCGAGGAGGAG-3'